The following is an entry in ClinVar:

ClinVar aggregate classification (germline): Uncertain significance (1 of 4 stars; one submission).

Conditions:
Wilms tumor 1 (WT1). Also called: Wilms tumor, somatic. Identifiers: Orphanet 654, MedGen CN033288, MONDO:0008679, OMIM 194070.

Submission:

Color Diagnostics, LLC DBA Color Health
Classification: Uncertain significance for Wilms tumor 1. Last evaluated: 2025-08-10. Review status: criteria provided, single submitter. Criteria: ACMG Guidelines, 2015. Collection method: clinical testing. Allele origin: germline.
Comment: This missense variant replaces threonine with alanine at codon 470 of the WT1 protein. Computational prediction suggests that this variant may not impact protein structure and function. To our knowledge, functional studies have not been reported for this variant. This variant has not been reported in individuals affected with WT1-related disorders in the literature. This variant has not been identified in the general population by the Genome Aggregation Database (gnomAD). The available evidence is insufficient to determine the role of this variant in disease conclusively. Therefore, this variant is classified as a Variant of Uncertain Significance.

NM_024426.6(WT1):c.1423A>G (p.Thr475Ala)

Gene: WT1 (WT1 transcription factor; minus strand). Cytogenetic location: 11p13.
Variant type: single nucleotide variant.
Coding change: c.1423A>G on transcript NM_024426.6 (MANE Select); coding-DNA position 1423, A replaced by G.
Protein change: p.Thr475Ala; replaces threonine 475 with alanine.
Molecular consequence: missense variant. On other transcripts: non-coding transcript variant (2), intron variant (2).
Genome position (GRCh38, 1-based): chr11:32,391,996, T>C on the plus strand (A>G on the coding strand, the complement: WT1 is on the minus strand). VCF-style: chr11-32391996-T-C. GRCh37 (hg19) VCF-style: chr11-32413542-T-C.
Other names: c.772A>G, p.Thr258Ala (NM_001198551.2); c.721A>G, p.Thr241Ala (NM_001198552.2); c.235A>G, p.Thr79Ala (NM_001367854.1); c.1417A>G, p.Thr473Ala (NM_001407044.1); c.1372A>G, p.Thr458Ala (NM_001407045.1, NM_000378.6); c.1300A>G, p.Thr434Ala (NM_001407047.1); c.1282A>G, p.Thr428Ala (NM_001407048.1); c.1249A>G, p.Thr417Ala (NM_001407050.1); and 6 more; short protein forms T221A, T241A, T258A, T385A, T402A, T417A, T428A, T434A.
Identifiers: ClinVar variation 4756237 (VCV004756237.1).
Genomic context (GRCh38, chr11:32,391,996, plus strand): 5'-ATAATGAAAAATAAATGTGAAGAAAAGTTTACGCACTTGTTTTACCTGTATGAGTCCTGG[T>C]GTGGGTCTTCAGGTGGTCGGACCGGGAGAACTTTCGCTGACAAGTTTTACACTGGAATGG-3'
Protein context (NP_077744.4, residues 465-485): FSRSDHLKTH[Thr475Ala]RTHTGKTSEK